The following is an entry in ClinVar:

NM_006206.6(PDGFRA):c.938_939delinsCG (p.Gly313Ala)

Gene: PDGFRA (platelet derived growth factor receptor alpha; plus strand). Cytogenetic location: 4q12.
Variant type: Indel.
Coding change: c.938_939delinsCG on transcript NM_006206.6 (MANE Select); coding-DNA positions 938 to 939, GT replaced by CG.
Protein change: p.Gly313Ala; replaces glycine 313 with alanine.
Molecular consequence: missense variant.
Genome position (GRCh38, 1-based): chr4:54,267,558-54,267,559, GT replaced by CG. VCF-style: chr4-54267558-GT-CG. GRCh37 (hg19) VCF-style: chr4-55133725-GT-CG.
Other names: c.938_939delinsCG, p.Gly313Ala (NM_001347827.2, NM_001347829.2); c.1013_1014delinsCG, p.Gly338Ala (NM_001347828.2); c.977_978delinsCG, p.Gly326Ala (NM_001347830.2); short protein forms G338A, G313A, G326A.
Identifiers: ClinVar variation 4665124 (VCV004665124.1).
Genomic context (GRCh38, chr4:54,267,558, plus strand): 5'-GCTCGGGATCCATATGTGGTAATCATTATTTAATGGAAACTCTTCCCTGTACAGAGAAAG[GT>CG]TTCATTGAAATCAAACCCACCTTCAGCCAGTTGGAAGCTGTCAACCTGCATGAAGTCAAA-3'
Protein context (NP_006197.1, residues 303-323): KKVTISVHEK[Gly313Ala]FIEIKPTFSQ

ClinVar aggregate classification (germline): Uncertain significance (1 of 4 stars; one submission).

Conditions:
Hereditary cancer-predisposing syndrome. Also called: Neoplastic Syndromes, Hereditary; Tumor predisposition; Hereditary Cancer Syndrome; Hereditary neoplastic syndrome. Identifiers: Orphanet 140162, MedGen C0027672, MeSH D009386, MONDO:0015356.

Submission:

Ambry Genetics
Classification: Uncertain significance for Hereditary cancer-predisposing syndrome. Last evaluated: 2025-10-08. Review status: criteria provided, single submitter. Criteria: Ambry Variant Classification Scheme 2023. Collection method: clinical testing. Allele origin: germline.
Comment: The c.938_939delGTinsCG variant (also known as p.G313A), located in coding exon 6 of the PDGFRA gene, results from an in-frame deletion of GT and insertion of CG at nucleotide positions 938 to 939. This results in the substitution of the glycine residue for an alanine residue at codon 313, an amino acid with similar properties. This amino acid position is highly conserved in available vertebrate species. In addition, the in silico prediction for this alteration is inconclusive. Based on the available evidence, the clinical significance of this variant remains unclear.